The following is an entry in ClinVar:

NM_000937.5(POLR2A):c.5093G>A (p.Ser1698Asn)

Gene: POLR2A (RNA polymerase II subunit A; plus strand). Cytogenetic location: 17p13.1.
Variant type: single nucleotide variant.
Coding change: c.5093G>A on transcript NM_000937.5 (MANE Select); coding-DNA position 5093, G replaced by A.
Protein change: p.Ser1698Asn; replaces serine 1698 with asparagine.
Molecular consequence: missense variant.
Genome position (GRCh38, 1-based): chr17:7,513,357, G>A. VCF-style: chr17-7513357-G-A. GRCh37 (hg19) VCF-style: chr17-7416676-G-A.
Other names: short protein forms S1698N.
Identifiers: ClinVar variation 1374479 (VCV001374479.6), dbSNP rs1327445152, ClinGen allele CA397835542.

ClinVar aggregate classification (germline): Uncertain significance (1 of 4 stars; one submission).

Submission:

Labcorp Genetics (formerly Invitae), Labcorp
Classification: Uncertain significance. Last evaluated: 2023-08-28. Review status: criteria provided, single submitter. Criteria: Invitae Variant Classification Sherloc (09022015). Collection method: clinical testing. Allele origin: germline.
Comment: This sequence change replaces serine, which is neutral and polar, with asparagine, which is neutral and polar, at codon 1698 of the POLR2A protein (p.Ser1698Asn). This variant is not present in population databases (gnomAD no frequency). This variant has not been reported in the literature in individuals affected with POLR2A-related conditions. ClinVar contains an entry for this variant (Variation ID: 1374479). Experimental studies and prediction algorithms are not available or were not evaluated, and the functional significance of this variant is currently unknown. In summary, the available evidence is currently insufficient to determine the role of this variant in disease. Therefore, it has been classified as a Variant of Uncertain Significance.